The following is an entry in ClinVar:

ClinVar aggregate classification (germline): Uncertain significance. Review status: criteria provided, multiple submitters, no conflicts (2 of 4 stars). 2 submissions from 2 submitters: Uncertain significance (2). Last evaluated 2025-07-28.

Conditions:
Hereditary cancer-predisposing syndrome. Also called: Hereditary Cancer Syndrome; Hereditary neoplastic syndrome; Neoplastic Syndromes, Hereditary; Tumor predisposition. Identifiers: Orphanet 140162, MedGen C0027672, MeSH D009386, MONDO:0015356.
Familial adenomatous polyposis 1 (FAP1). Also called: POLYPOSIS, ADENOMATOUS INTESTINAL; FAMILIAL ADENOMATOUS POLYPOSIS 1, ATTENUATED. Identifiers: MedGen C2713442, MONDO:0021056, OMIM 175100. Disease mechanism: loss of function.

Submissions (2):

Ambry Genetics
Classification: Uncertain significance for Hereditary cancer-predisposing syndrome. Last evaluated: 2025-07-28. Review status: criteria provided, single submitter. Criteria: Ambry Variant Classification Scheme 2023. Collection method: clinical testing. Allele origin: germline.
Comment: The p.R2801G variant (also known as c.8401C>G), located in coding exon 15 of the APC gene, results from a C to G substitution at nucleotide position 8401. The arginine at codon 2801 is replaced by glycine, an amino acid with dissimilar properties. This amino acid position is conserved. In addition, in silico predictors for this gene do not accurately predict pathogenicity. Based on the available evidence, the clinical significance of this variant remains unclear.

Labcorp Genetics (formerly Invitae), Labcorp
Classification: Uncertain significance for Familial adenomatous polyposis 1. Last evaluated: 2022-01-05. Review status: criteria provided, single submitter. Criteria: Invitae Variant Classification Sherloc (09022015). Collection method: clinical testing. Allele origin: germline.
Comment: In summary, the available evidence is currently insufficient to determine the role of this variant in disease. Therefore, it has been classified as a Variant of Uncertain Significance. Algorithms developed to predict the effect of missense changes on protein structure and function are either unavailable or do not agree on the potential impact of this missense change (SIFT: "Deleterious"; PolyPhen-2: "Probably Damaging"; Align-GVGD: "Class C0"). This variant has not been reported in the literature in individuals affected with APC-related conditions. This variant is not present in population databases (gnomAD no frequency). This sequence change replaces arginine, which is basic and polar, with glycine, which is neutral and non-polar, at codon 2801 of the APC protein (p.Arg2801Gly).

NM_000038.6(APC):c.8401C>G (p.Arg2801Gly)

Gene: APC (APC regulator of Wnt signaling pathway; plus strand). Cytogenetic location: 5q22.2.
Variant type: single nucleotide variant.
Coding change: c.8401C>G on transcript NM_000038.6 (MANE Select); coding-DNA position 8401, C replaced by G.
Protein change: p.Arg2801Gly; replaces arginine 2801 with glycine.
Molecular consequence: missense variant.
Genome position (GRCh38, 1-based): chr5:112,843,995, C>G. VCF-style: chr5-112843995-C-G. GRCh37 (hg19) VCF-style: chr5-112179692-C-G.
Other names: c.8401C>G (NM_000038.5); c.8401C>G, p.Arg2801Gly (NM_001127510.3, NM_001354895.2, NM_001407450.1); c.8347C>G, p.Arg2783Gly (NM_001127511.3); c.8455C>G, p.Arg2819Gly (NM_001354896.2, NM_001407447.1, NM_001407448.1 and 1 more transcripts); c.8431C>G, p.Arg2811Gly (NM_001354897.2); c.8326C>G, p.Arg2776Gly (NM_001354898.2); c.8317C>G, p.Arg2773Gly (NM_001354899.2); c.8278C>G, p.Arg2760Gly (NM_001354900.2); and 12 more; short protein forms R2417G, R2718G, R2773G, R2791G, R2801G, R2794G, R2819G, R2829G.
Identifiers: ClinVar variation 1928217 (VCV001928217.6), dbSNP rs1242407699, ClinGen allele CA16039563.
Genomic context (GRCh38, chr5:112,843,995, plus strand): 5'-GTGACTCCTTTTAATTACAACCCAAGCCCTAGGAAAAGCAGCGCAGATAGCACTTCAGCT[C>G]GGCCATCTCAGATCCCAACTCCAGTGAATAACAACACAAAGAAGCGAGATTCCAAAACTG-3'
Protein context (NP_000029.2, residues 2791-2811): RKSSADSTSA[Arg2801Gly]PSQIPTPVNN